The following is an entry in ClinVar:

ClinVar aggregate classification (germline): Likely benign. Review status: criteria provided, multiple submitters, no conflicts (2 of 4 stars). 3 submissions from 3 submitters: Likely benign (2). 1 of the submissions does not count toward it. Last evaluated 2026-05-01.

Conditions:
FOCAD-related disorder. Also called: FOCAD-related condition.

Allele frequency attached by ClinVar (database versions not stated): gnomAD 0.00019; TOPMed 0.00020; 1000 Genomes Project 30x 0.00031; ESP Exome Variant Server 0.00031; 1000 Genomes Project 0.00040.
gnomAD v4.1: 640 of 1,614,158 alleles (0.04%); highest among the groups gnomAD compares: South Asian, 0.33%; 4 homozygotes.

Submissions (3):

CeGaT Center for Human Genetics Tuebingen
Classification: Likely benign. Last evaluated: 2026-05-01. Review status: criteria provided, single submitter. Criteria: CeGaT Center For Human Genetics Tuebingen Variant Classification Criteria Version 2. Collection method: clinical testing. Allele origin: germline. Affected: yes. Observed: 2 variant alleles.
Comment: FOCAD: BS2

Labcorp Genetics (formerly Invitae), Labcorp
Classification: Likely benign. Last evaluated: 2025-10-18. Review status: criteria provided, single submitter. Criteria: Invitae Variant Classification Sherloc (09022015). Collection method: clinical testing. Allele origin: germline.

PreventionGenetics, part of Exact Sciences
Classification: Likely benign for FOCAD-related condition. Last evaluated: 2022-05-13. Review status: no assertion criteria provided. Collection method: clinical testing. Allele origin: germline. Not counted in ClinVar's aggregate classification.
Comment: This variant is classified as likely benign based on ACMG/AMP sequence variant interpretation guidelines (Richards et al. 2015 PMID: 25741868, with internal and published modifications).

NM_001375567.1(FOCAD):c.3253G>A (p.Val1085Met)

Gene: FOCAD (focadhesin; plus strand). Cytogenetic location: 9p21.3.
Variant type: single nucleotide variant.
Coding change: c.3253G>A on transcript NM_001375567.1 (MANE Select); coding-DNA position 3253, G replaced by A.
Protein change: p.Val1085Met; replaces valine 1085 with methionine.
Molecular consequence: missense variant.
Genome position (GRCh38, 1-based): chr9:20,929,532, G>A. VCF-style: chr9-20929532-G-A. GRCh37 (hg19) VCF-style: chr9-20929531-G-A.
Other names: c.3148G>A, p.Val1050Met (NM_001375568.1, NM_001375570.1); c.3253G>A, p.Val1085Met (NM_017794.5); short protein forms V1050M, V1085M.
Identifiers: ClinVar variation 757500 (VCV000757500.13), dbSNP rs143564901, ClinGen allele CA5007478.
Genomic context (GRCh38, chr9:20,929,532, plus strand): 5'-ATCCTGAACATGCTGACTGCCAGGTTACCTGGGAAACCAAGTGCTGATGAGTCTCAAGCC[G>A]TGCAAATCCACATGGGCCTTGCTTTAGGGATGTTTCTCTCTCGCTTGTGTGAAGAGAAAC-3'
Protein context (NP_001362496.1, residues 1075-1095): GKPSADESQA[Val1085Met]QIHMGLALGM